The following is an entry in ClinVar:

NM_000038.6(APC):c.5790A>C (p.Gln1930His)

Gene: APC (APC regulator of Wnt signaling pathway; plus strand). Cytogenetic location: 5q22.2.
Variant type: single nucleotide variant.
Coding change: c.5790A>C on transcript NM_000038.6 (MANE Select); coding-DNA position 5790, A replaced by C.
Protein change: p.Gln1930His; replaces glutamine 1930 with histidine.
Molecular consequence: missense variant. On other transcripts: non-coding transcript variant (2).
Genome position (GRCh38, 1-based): chr5:112,841,384, A>C. VCF-style: chr5-112841384-A-C. GRCh37 (hg19) VCF-style: chr5-112177081-A-C.
Other names: c.5790A>C, p.Gln1930His (NM_001127510.3, NM_001354895.2, NM_001407450.1); c.5736A>C, p.Gln1912His (NM_001127511.3); c.5844A>C, p.Gln1948His (NM_001354896.2, NM_001407447.1, NM_001407448.1 and 1 more transcripts); c.5820A>C, p.Gln1940His (NM_001354897.2); c.5715A>C, p.Gln1905His (NM_001354898.2); c.5706A>C, p.Gln1902His (NM_001354899.2); c.5667A>C, p.Gln1889His (NM_001354900.2); c.5613A>C, p.Gln1871His (NM_001354901.2, NM_001407453.1); and 11 more; short protein forms Q1829H, Q1912H, Q1923H, Q1804H, Q1839H, Q1905H, Q1920H, Q1930H.
Identifiers: ClinVar variation 2567029 (VCV002567029.2), dbSNP rs141152252, ClinGen allele CA16034000.

ClinVar aggregate classification (germline): Uncertain significance (1 of 4 stars; one submission).

Conditions:
Hereditary cancer-predisposing syndrome. Also called: Hereditary neoplastic syndrome; Hereditary Cancer Syndrome; Neoplastic Syndromes, Hereditary; Tumor predisposition. Identifiers: Orphanet 140162, MedGen C0027672, MeSH D009386, MONDO:0015356.

Submission:

Ambry Genetics
Classification: Uncertain significance for Hereditary cancer-predisposing syndrome. Last evaluated: 2023-05-09. Review status: criteria provided, single submitter. Criteria: Ambry Variant Classification Scheme 2023. Collection method: clinical testing. Allele origin: germline.
Comment: The p.Q1930H variant (also known as c.5790A>C), located in coding exon 15 of the APC gene, results from an A to C substitution at nucleotide position 5790. The glutamine at codon 1930 is replaced by histidine, an amino acid with highly similar properties. This amino acid position is conserved. In addition, in silico predictors for this gene do not accurately predict pathogenicity. Since supporting evidence is limited at this time, the clinical significance of this alteration remains unclear.